The following is an entry in ClinVar:

ClinVar aggregate classification (germline): Uncertain significance. Review status: criteria provided, multiple submitters, no conflicts (2 of 4 stars). 3 submissions from 3 submitters: Uncertain significance (3). Last evaluated 2025-06-25.

Conditions:
Inborn genetic diseases. Identifiers: MedGen C0950123, MeSH D030342.
Autosomal recessive axonal neuropathy with neuromyotonia (NMAN). Also called: Gamstorp-Wohlfart syndrome; MYOKYMIA, MYOTONIA, AND MUSCLE WASTING; Neuromyotonia and axonal neuropathy, autosomal recessive. Identifiers: Orphanet 324442, MedGen C5700127, MONDO:0007646, OMIM 137200.

Allele frequency attached by ClinVar (database versions not stated): ExAC 0.00002; gnomAD exomes 0.00003 and 0.00005; gnomAD 0.00004; TOPMed 0.00004; ESP Exome Variant Server 0.00008.
gnomAD v4.1: 73 of 1,611,356 alleles (0.0045%); highest among the groups gnomAD compares: Non-Finnish European, 0.0059%; no homozygotes.

Submissions (3):

Ambry Genetics
Classification: Uncertain significance for Inborn genetic diseases. Last evaluated: 2025-06-25. Review status: criteria provided, single submitter. Criteria: Ambry Variant Classification Scheme 2023. Collection method: clinical testing. Allele origin: germline.

Labcorp Genetics (formerly Invitae), Labcorp
Classification: Uncertain significance for Autosomal recessive axonal neuropathy with neuromyotonia. Last evaluated: 2023-06-30. Review status: criteria provided, single submitter. Criteria: Invitae Variant Classification Sherloc (09022015). Collection method: clinical testing. Allele origin: germline.
Comment: This sequence change replaces aspartic acid, which is acidic and polar, with valine, which is neutral and non-polar, at codon 68 of the HINT1 protein (p.Asp68Val). This variant is present in population databases (rs371048016, gnomAD 0.008%). This variant has not been reported in the literature in individuals affected with HINT1-related conditions. ClinVar contains an entry for this variant (Variation ID: 246535). An algorithm developed to predict the effect of missense changes on protein structure and function (PolyPhen-2) suggests that this variant is likely to be tolerated. In summary, the available evidence is currently insufficient to determine the role of this variant in disease. Therefore, it has been classified as a Variant of Uncertain Significance.

GeneDx
Classification: Uncertain significance. Last evaluated: 2016-04-07. Review status: criteria provided, single submitter. Criteria: GeneDx Variant Classification (06012015). Collection method: clinical testing. Allele origin: germline. Affected: yes.
Comment: The D68V variant has not been published as a pathogenic variant, nor has it been reported as a benign variant to our knowledge. The D68V variant was not observed with any significant frequency in approximately 6,500 individuals of European and African American ancestry in the NHLBI Exome Sequencing Project. The D68V variant is a non-conservative amino acid substitution, which is likely to impact secondary protein structure as these residues differ in polarity, charge, size, and/or other properties. This substitution occurs at a position where amino acids with similar properties to Aspartic acid are tolerated across species. In silico analysis is inconsistent in its predictions as to whether or not the variant is damaging to the protein structure/function. Based on the currently available information, it is unclear whether this variant is a pathogenic variant or a rare benign variant.

NM_005340.7(HINT1):c.203A>T (p.Asp68Val)

Gene: HINT1 (histidine triad nucleotide binding protein 1; minus strand). Cytogenetic location: 5q23.3.
Variant type: single nucleotide variant.
Coding change: c.203A>T on transcript NM_005340.7 (MANE Select); coding-DNA position 203, A replaced by T.
Protein change: p.Asp68Val; replaces aspartic acid 68 with valine.
Molecular consequence: missense variant. On other transcripts: non-coding transcript variant (5).
Genome position (GRCh38, 1-based): chr5:131,162,585, T>A on the plus strand (A>T on the coding strand, the complement: HINT1 is on the minus strand). VCF-style: chr5-131162585-T-A. GRCh37 (hg19) VCF-style: chr5-130498278-T-A.
Other names: short protein forms D68V.
Identifiers: ClinVar variation 246535 (VCV000246535.12), dbSNP rs371048016, ClinGen allele CA3398610.
Genomic context (GRCh38, chr5:131,162,585, plus strand): 5'-CACAATTTAAAAAGCAAGAAAATAAATCATGTTAGAAATGTACTTACACTTTCATCATCA[T>A]CTTCTGCCACAGAAATCTGGGATATATGTTTCTTGGGTATCACCAGAAAATGTGTTGGTG-3'
Protein context (NP_005331.1, residues 58-78): KHISQISVAE[Asp68Val]DDESLLGHLM